The following is an entry in ClinVar:

ClinVar aggregate classification (germline): Uncertain significance (1 of 4 stars; one submission).

Conditions:
Hereditary sensory and autonomic neuropathy type 6. Also called: HSAN VI; Neuropathy, hereditary sensory and autonomic, type VI. Identifiers: Orphanet 314381, MedGen C3539003, MONDO:0013839, OMIM 614653.
Epidermolysis bullosa simplex 3, localized or generalized intermediate, with BP230 deficiency (EBS3). Also called: Epidermolysis bullosa simplex due to BP230 deficiency; Epidermolysis bullosa simplex, autosomal recessive 2. Identifiers: Orphanet 412181, MedGen C3809470, MONDO:0014180, OMIM 615425.

Allele frequency attached by ClinVar (database versions not stated): gnomAD below 0.00001 and 0.00005; TOPMed 0.00001; gnomAD exomes 0.00009 and 0.00015; 1000 Genomes Project 30x 0.00016; ExAC 0.00017; 1000 Genomes Project 0.00020.
gnomAD v4.1: 142 of 1,613,878 alleles (0.0088%); highest among the groups gnomAD compares: South Asian, 0.15%; 3 homozygotes.

Submission:

Labcorp Genetics (formerly Invitae), Labcorp
Classification: Uncertain significance for Epidermolysis bullosa simplex 3, localized or generalized intermediate, with BP230 deficiency; Hereditary sensory and autonomic neuropathy type 6. Last evaluated: 2022-07-19. Review status: criteria provided, single submitter. Criteria: Invitae Variant Classification Sherloc (09022015). Collection method: clinical testing. Allele origin: germline.
Comment: This sequence change replaces asparagine, which is neutral and polar, with aspartic acid, which is acidic and polar, at codon 2359 of the DST protein (p.Asn2359Asp). This variant is present in population databases (rs563665079, gnomAD 0.1%). This variant has not been reported in the literature in individuals affected with DST-related conditions. ClinVar contains an entry for this variant (Variation ID: 837957). Algorithms developed to predict the effect of missense changes on protein structure and function (SIFT, PolyPhen-2, Align-GVGD) all suggest that this variant is likely to be tolerated. In summary, the available evidence is currently insufficient to determine the role of this variant in disease. Therefore, it has been classified as a Variant of Uncertain Significance.

NM_001723.7(DST):c.7075A>G (p.Asn2359Asp)

Gene: DST (dystonin; minus strand). Cytogenetic location: 6p12.1.
Variant type: single nucleotide variant.
Coding change: c.7075A>G on transcript NM_001723.7 (MANE Plus Clinical); coding-DNA position 7075, A replaced by G.
Protein change: p.Asn2359Asp; replaces asparagine 2359 with aspartic acid.
Molecular consequence: missense variant. On other transcripts: intron variant (10).
Genome position (GRCh38, 1-based): chr6:56,616,392, T>C on the plus strand (A>G on the coding strand, the complement: DST is on the minus strand). VCF-style: chr6-56616392-T-C. GRCh37 (hg19) VCF-style: chr6-56481190-T-C.
Other names: c.4831-1908A>G (NM_001144769.5); c.4930-1908A>G (NM_001374722.1, NM_001374736.1); c.4957-1908A>G (NM_001374734.1); c.4417-1908A>G (NM_001144770.2); c.4297-1908A>G (NM_001374730.1, NM_001386100.1, NM_183380.4 and 1 more transcripts); c.3319-1908A>G (NM_015548.5); short protein forms N2359D.
Identifiers: ClinVar variation 837957 (VCV000837957.7), dbSNP rs563665079, ClinGen allele CA3870029.